The following is an entry in ClinVar:

ClinVar aggregate classification (germline): Likely pathogenic (1 of 4 stars; one submission).

Conditions:
Mitochondrial trifunctional protein deficiency. Identifiers: Orphanet 746, MedGen C1969443, MONDO:0012172.

Submission:

Labcorp Genetics (formerly Invitae), Labcorp
Classification: Likely pathogenic for Mitochondrial trifunctional protein deficiency. Last evaluated: 2023-05-26. Review status: criteria provided, single submitter. Criteria: Invitae Variant Classification Sherloc (09022015). Collection method: clinical testing. Allele origin: germline.
Comment: This variant is present in population databases (no rsID available, gnomAD 0.01%). This sequence change affects an acceptor splice site in intron 12 of the HADHB gene. It is expected to disrupt RNA splicing. Variants that disrupt the donor or acceptor splice site typically lead to a loss of protein function (PMID: 16199547), and loss-of-function variants in HADHB are known to be pathogenic (PMID: 9259266, 12754706). This variant has not been reported in the literature in individuals affected with HADHB-related conditions. In summary, the currently available evidence indicates that the variant is pathogenic, but additional data are needed to prove that conclusively. Therefore, this variant has been classified as Likely Pathogenic. Algorithms developed to predict the effect of sequence changes on RNA splicing suggest that this variant may disrupt the consensus splice site.

Literature cited by the submitters: PubMed 16199547; PubMed 9259266; PubMed 12754706.

NM_000183.3(HADHB):c.1062-1G>T

Gene: HADHB (hydroxyacyl-CoA dehydrogenase trifunctional multienzyme complex subunit beta; plus strand). Cytogenetic location: 2p23.3.
Variant type: single nucleotide variant.
Coding change: c.1062-1G>T on transcript NM_000183.3 (MANE Select); the canonical splice acceptor site of the intron before coding-DNA position 1062, G replaced by T.
Molecular consequence: splice acceptor variant.
Genome position (GRCh38, 1-based): chr2:26,284,116, G>T. VCF-style: chr2-26284116-G-T. GRCh37 (hg19) VCF-style: chr2-26506984-G-T.
Other names: c.996-1G>T (NM_001281513.2); c.1017-1G>T (NM_001281512.2).
Identifiers: ClinVar variation 2799035 (VCV002799035.3), dbSNP rs1329030528, ClinGen allele CA346095491.